The following is an entry in ClinVar:

ClinVar aggregate classification (germline): Conflicting classifications of pathogenicity. Review status: criteria provided, conflicting classifications (1 of 4 stars). 3 submissions from 3 submitters: Uncertain significance (1); Benign (1); Likely benign (1). Last evaluated 2025-12-27.

Conditions:
Hyperaldosteronism, familial, type IV (HALD4). Also called: FH IV; ALDOSTERONISM, PRIMARY, AND HYPERTENSION. Identifiers: Orphanet 642671, MedGen C4310756, MONDO:0014875, OMIM 617027.
Idiopathic generalized epilepsy. Also called: EIG; Generalised epilepsy. Identifiers: MedGen C0270850, MONDO:0005579, OMIM 600669.
Epilepsy, childhood absence, susceptibility to, 6. Identifiers: Orphanet 64280, MedGen C2749872, MONDO:0012763, OMIM 611942.

Allele frequency attached by ClinVar (database versions not stated): gnomAD 0.00003 and 0.00004; gnomAD exomes 0.00003; TOPMed 0.00003.

Submissions (3):

Labcorp Genetics (formerly Invitae), Labcorp
Classification: Benign for Idiopathic generalized epilepsy; Hyperaldosteronism, familial, type IV. Last evaluated: 2025-12-27. Review status: criteria provided, single submitter. Criteria: Invitae Variant Classification Sherloc (09022015). Collection method: clinical testing. Allele origin: germline.

Women's Health and Genetics/Laboratory Corporation of America, LabCorp
Classification: Likely benign. Last evaluated: 2024-01-19. Review status: criteria provided, single submitter. Criteria: LabCorp Variant Classification Summary - May 2015. Collection method: clinical testing. Allele origin: germline.
Comment: Variant summary: CACNA1H c.1430G>A (p.Arg477His) results in a non-conservative amino acid change in the encoded protein sequence. Four of five in-silico tools predict a damaging effect of the variant on protein function. The variant allele was found at a frequency of 3.4e-05 in 1552892 control chromosomes (i.e. 53 heterozygotes) in the gnomAD database, suggesting the variant is unlikely to be associated with an early onset, highly penetrant, autosomal dominant condition. To our knowledge, no occurrence of c.1430G>A in individuals affected with Idiopathic Generalized Epilepsy or other CACNA1H-associated disorders and no experimental evidence demonstrating its impact on protein function have been reported. ClinVar contains an entry for this variant (Variation ID: 1057384). Based on the evidence outlined above, the variant was classified as likely benign.

Fulgent Genetics
Classification: Uncertain significance for Epilepsy, childhood absence, susceptibility to, 6; Hyperaldosteronism, familial, type IV. Last evaluated: 2021-11-19. Review status: criteria provided, single submitter. Criteria: ACMG Guidelines, 2015. Collection method: clinical testing. Allele origin: unknown.

NM_021098.3(CACNA1H):c.1430G>A (p.Arg477His)

Gene: CACNA1H (calcium voltage-gated channel subunit alpha1 H; plus strand). Cytogenetic location: 16p13.3.
Variant type: single nucleotide variant.
Coding change: c.1430G>A on transcript NM_021098.3 (MANE Select); coding-DNA position 1430, G replaced by A.
Protein change: p.Arg477His; replaces arginine 477 with histidine.
Molecular consequence: missense variant.
Genome position (GRCh38, 1-based): chr16:1,201,880, G>A. VCF-style: chr16-1201880-G-A. GRCh37 (hg19) VCF-style: chr16-1251880-G-A.
Other names: c.1430G>A, p.Arg477His (NM_001005407.2); short protein forms R477H.
Identifiers: ClinVar variation 1057384 (VCV001057384.9), dbSNP rs1325999341, ClinGen allele CA394160790.